The following is an entry in ClinVar:

NM_006940.6(SOX5):c.1923C>T (p.Arg641=)

Gene: SOX5 (SRY-box transcription factor 5; minus strand). Cytogenetic location: 12p12.1.
Variant type: single nucleotide variant.
Coding change: c.1923C>T on transcript NM_006940.6 (MANE Select); coding-DNA position 1923, C replaced by T.
Protein change: p.Arg641=; no amino-acid change (arginine 641 retained).
Molecular consequence: synonymous variant.
Genome position (GRCh38, 1-based): chr12:23,536,518, G>A on the plus strand (C>T on the coding strand, the complement: SOX5 is on the minus strand). VCF-style: chr12-23536518-G-A. GRCh37 (hg19) VCF-style: chr12-23689452-G-A.
Other names: c.1560C>T, p.Arg520= (NM_001261414.3); c.1893C>T, p.Arg631= (NM_001261415.3); c.1818C>T, p.Arg606= (NM_001330785.2); c.1884C>T, p.Arg628= (NM_152989.5); c.765C>T, p.Arg255= (NM_178010.4).
Identifiers: ClinVar variation 4823465 (VCV004823465.4).
Genomic context (GRCh38, chr12:23,536,518, plus strand): 5'-ATTGAAGTACTGCCGCATTTCCTGCCGCCTGTTGCGCATGATTGCCTTGTATTCACCAAT[G>A]CGCAGCTTTTTGCCATCCACCAGGCAGGTGCGCTTTGGCCTGGGCTTGTACTTATAGTCA-3'
Protein context (NP_008871.3, residues 631-651): RTCLVDGKKL[Arg641=]IGEYKAIMRN

ClinVar aggregate classification (germline): Likely benign (1 of 4 stars; one submission).

gnomAD v4.1: 4 of 1,614,182 alleles (0.00025%); highest among the groups gnomAD compares: Non-Finnish European, 0.00034%; no homozygotes.

Submission:

CeGaT Center for Human Genetics Tuebingen
Classification: Likely benign. Last evaluated: 2026-02-01. Review status: criteria provided, single submitter. Criteria: CeGaT Center For Human Genetics Tuebingen Variant Classification Criteria Version 2. Collection method: clinical testing. Allele origin: germline. Affected: yes. Observed: 1 variant allele.
Comment: SOX5: BP4, BP7